The following is an entry in ClinVar:

ClinVar aggregate classification (germline): Uncertain significance (1 of 4 stars; one submission).

gnomAD v4.1: 2 of 1,613,782 alleles (0.00012%); highest among the groups gnomAD compares: Admixed American, 0.0017%; no homozygotes.

Submission:

Mayo Clinic Laboratories, Mayo Clinic
Classification: Uncertain significance. Last evaluated: 2025-02-16. Review status: criteria provided, single submitter. Criteria: ACMG Guidelines, 2015. Collection method: clinical testing. Allele origin: germline. Observed: 1 variant allele.
Comment: PM2_supporting

NM_001267550.2(TTN):c.4000G>A (p.Gly1334Arg)

Genes: TTN (titin; minus strand), LOC101927055 (uncharacterized LOC101927055; plus strand). Cytogenetic location: 2q31.2.
Variant type: single nucleotide variant.
Coding change: c.4000G>A on transcript NM_001267550.2 (MANE Select); coding-DNA position 4000, G replaced by A.
Protein change: p.Gly1334Arg; replaces glycine 1334 with arginine.
Molecular consequence: missense variant.
Genome position (GRCh38, 1-based): chr2:178,779,082, C>T on the plus strand (G>A on the coding strand, the complement: TTN is on the minus strand). VCF-style: chr2-178779082-C-T. GRCh37 (hg19) VCF-style: chr2-179643809-C-T.
Other names: p.Gly1334Arg; c.4000G>A, p.Gly1334Arg (NM_001256850.1, NM_133378.4, NM_133379.5); c.3862G>A, p.Gly1288Arg (NM_003319.4, NM_133432.3, NM_133437.4); short protein forms G1288R, G1334R.
Identifiers: ClinVar variation 4540772 (VCV004540772.1).